The following is an entry in ClinVar:

NM_000535.7(PMS2):c.1084A>T (p.Met362Leu)

Gene: PMS2 (PMS1 homolog 2, mismatch repair system component; minus strand). Cytogenetic location: 7p22.1.
Variant type: single nucleotide variant.
Coding change: c.1084A>T on transcript NM_000535.7 (MANE Select); coding-DNA position 1084, A replaced by T.
Protein change: p.Met362Leu; replaces methionine 362 with leucine.
Molecular consequence: missense variant. On other transcripts: non-coding transcript variant (1), intron variant (2).
Genome position (GRCh38, 1-based): chr7:5,989,860, T>A on the plus strand (A>T on the coding strand, the complement: PMS2 is on the minus strand). VCF-style: chr7-5989860-T-A. GRCh37 (hg19) VCF-style: chr7-6029491-T-A.
Other names: c.679A>T, p.Met227Leu (NM_001322009.2, NM_001322003.2, NM_001322004.2 and 1 more transcripts); c.151A>T, p.Met51Leu (NM_001322011.2, NM_001322012.2); c.511A>T, p.Met171Leu (NM_001322013.2); c.1084A>T, p.Met362Leu (NM_001322014.2); c.775A>T, p.Met259Leu (NM_001322015.2); c.583+2113A>T (NM_001322010.2); c.988+2113A>T (NM_001322006.2); c.766A>T, p.Met256Leu (NM_001322007.2, NM_001322008.2); short protein forms M362L, M227L, M259L, M51L, M171L, M256L.
Identifiers: ClinVar variation 232488 (VCV000232488.5), dbSNP rs876659797, ClinGen allele CA10578686.
Genomic context (GRCh38, chr7:5,989,860, plus strand): 5'-CTTCAACATCCAGCAGTGGCTGCTGACTGACATTTAGCTTGTTGACATCACTATCAAACA[T>A]TCCTATCAAAGAGGTCTTTAAAACTGCCAACAAAAGCTTTTCCTCTTGTAGCAAAATTTG-3'
Protein context (NP_000526.2, residues 352-372): LAVLKTSLIG[Met362Leu]FDSDVNKLNV

ClinVar aggregate classification (germline): Uncertain significance (1 of 4 stars; one submission).

Conditions:
Hereditary cancer-predisposing syndrome. Also called: Neoplastic Syndromes, Hereditary; Tumor predisposition; Hereditary Cancer Syndrome; Hereditary neoplastic syndrome. Identifiers: Orphanet 140162, MedGen C0027672, MeSH D009386, MONDO:0015356.

Submission:

Ambry Genetics
Classification: Uncertain significance for Hereditary cancer-predisposing syndrome. Last evaluated: 2015-06-25. Review status: criteria provided, single submitter. Criteria: Ambry Variant Classification Scheme 2023. Collection method: clinical testing. Allele origin: germline.
Comment: The p.M362L variant (also known as c.1084A>T), located in coding exon 10 of the PMS2 gene, results from an A to T substitution at nucleotide position 1084. The methionine at codon 362 is replaced by leucine, an amino acid with highly similar properties. This variant was not reported in population based cohorts in the following databases: Database of Single Nucleotide Polymorphisms (dbSNP), NHLBI Exome Sequencing Project (ESP), and 1000 Genomes Project. In the ESP, this variant was not observed in 6503 samples (13006 alleles) with coverage at this position. To date, this alteration has been detected with an allele frequency of approximately 0.002% (greater than 65000 alleles tested) in our clinical cohort. This amino acid position is highly conserved in available vertebrate species. In addition, this alteration is predicted to be deleterious by in silico analysis. Since supporting evidence is limited at this time, the clinical significance of p.M362L remains unclear.